The following is an entry in ClinVar:

NM_000444.6(PHEX):c.2090G>A (p.Arg697Lys)

Genes: PHEX (phosphate regulating endopeptidase X-linked; plus strand), PTCHD1-AS (PTCHD1 and PHEX antisense RNA; minus strand). Cytogenetic location: Xp22.11.
Variant type: single nucleotide variant.
Coding change: c.2090G>A on transcript NM_000444.6 (MANE Select); coding-DNA position 2090, G replaced by A.
Protein change: p.Arg697Lys; replaces arginine 697 with lysine.
Molecular consequence: missense variant. On other transcripts: intron variant (1).
Genome position (GRCh38, 1-based): chrX:22,245,352, G>A. VCF-style: chrX-22245352-G-A. GRCh37 (hg19) VCF-style: chrX-22263469-G-A.
Other names: c.2071-2499G>A (NM_001282754.2); short protein forms R697K.
Identifiers: ClinVar variation 3306101 (VCV003306101.2).

ClinVar aggregate classification (germline): Uncertain significance. Review status: criteria provided, multiple submitters, no conflicts (2 of 4 stars). 2 submissions from 2 submitters: Uncertain significance (2). Last evaluated 2025-10-15.

Conditions:
Inborn genetic diseases. Identifiers: MedGen C0950123, MeSH D030342.

Submissions (2):

Labcorp Genetics (formerly Invitae), Labcorp
Classification: Uncertain significance. Last evaluated: 2025-10-15. Review status: criteria provided, single submitter. Criteria: Invitae Variant Classification Sherloc (09022015). Collection method: clinical testing. Allele origin: germline.
Comment: This sequence change replaces arginine, which is basic and polar, with lysine, which is basic and polar, at codon 697 of the PHEX protein (p.Arg697Lys). This variant is not present in population databases (gnomAD no frequency). This variant has not been reported in the literature in individuals affected with PHEX-related conditions. ClinVar contains an entry for this variant (Variation ID: 3306101). Invitae Evidence Modeling of protein sequence and biophysical properties (such as structural, functional, and spatial information, amino acid conservation, physicochemical variation, residue mobility, and thermodynamic stability) has been performed for this missense variant. However, the output from this modeling did not meet the statistical confidence thresholds required to predict the impact of this variant on PHEX protein function. In summary, the available evidence is currently insufficient to determine the role of this variant in disease. Therefore, it has been classified as a Variant of Uncertain Significance.

Ambry Genetics
Classification: Uncertain significance for Inborn genetic diseases. Last evaluated: 2024-05-29. Review status: criteria provided, single submitter. Criteria: Ambry Variant Classification Scheme 2023. Collection method: clinical testing. Allele origin: germline.